The following is an entry in ClinVar:

NM_000091.5(COL4A3):c.4265_4273del (p.Ser1422_Gly1424del)

Genes: COL4A3 (collagen type IV alpha 3 chain; plus strand), MFF-DT (MFF divergent transcript; minus strand). Cytogenetic location: 2q36.3.
Variant type: Deletion.
Coding change: c.4265_4273del on transcript NM_000091.5 (MANE Select); coding-DNA positions 4265 to 4273, 9 bases deleted (CAGATGGAT; older notation c.4265_4273delCAGATGGAT).
Protein change: p.Ser1422_Gly1424del.
Molecular consequence: inframe deletion. On other transcripts: inframe indel (1).
Genome position (GRCh38, 1-based): chr2:227,307,722-227,307,730, CAGATGGAT deleted; deleting any 9 consecutive bases within chr2:227,307,717-227,307,730 gives the same sequence; the c. name uses the placement nearest the transcript's 3' end. VCF-style (leftmost placement, unchanged base first): chr2-227307716-CTGGATCAGA-C. GRCh37 (hg19) VCF-style: chr2-228172432-CTGGATCAGA-C.
Other names: c.4265_4273del (NM_000091.4); c.4265_4273delCAGATGGAT, p.Ser1422_Gly1424del (NM_000091.4); c.4265_4273del9 (NM_000091.4).
Identifiers: ClinVar variation 2066928 (VCV002066928.11), dbSNP rs746597831, ClinGen allele CA2147496.

ClinVar aggregate classification (germline): Conflicting classifications of pathogenicity. Review status: criteria provided, conflicting classifications (1 of 4 stars). 7 submissions from 7 submitters: Likely pathogenic (2); Uncertain significance (4). 1 of the submissions does not count toward it. Last evaluated 2026-01-18.

Conditions:
COL4A3-related disorder. Also called: COL4A3-related condition; COL4A3-Related Disorders.
Alport syndrome. Also called: Hemorrhagic familial nephritis; Hemorrhagic hereditary nephritis; Congenital hereditary hematuria. Identifiers: Orphanet 63, MedGen C1567741, MONDO:0018965.
Hematuria, benign familial, 2 (BFH2). Identifiers: MedGen C5830421, MONDO:0958186, OMIM 620320.
Alport syndrome 3b, autosomal recessive. Identifiers: MedGen C5882699, MONDO:0957811, OMIM 620536.
Autosomal dominant Alport syndrome (ATS3A). Also called: Alport syndrome dominant type; Renal failure and sensorineural hearing loss; ALPORT SYNDROME 3A, AUTOSOMAL DOMINANT. Identifiers: Orphanet 63, Orphanet 88918, MedGen C5882663, MONDO:0007086, OMIM 104200.
Autosomal recessive Alport syndrome (ATS2). Also called: Alport syndrome type 2; COL4A4 Alport Syndrome and Thin Basement Membrane Nephropathy; ALPORT SYNDROME 2, AUTOSOMAL RECESSIVE; COL4A3-Related Nephropathy. Identifiers: Orphanet 63, Orphanet 88919, MedGen C4746745, MONDO:0008762, OMIM 203780.

Submissions (7):

Labcorp Genetics (formerly Invitae), Labcorp
Classification: Uncertain significance. Last evaluated: 2026-01-18. Review status: criteria provided, single submitter. Criteria: Invitae Variant Classification Sherloc (09022015). Collection method: clinical testing. Allele origin: germline.
Comment: This variant, c.4265_4273del, results in the deletion of 3 amino acid(s) of the COL4A3 protein (p.Ser1422_Gly1424del), but otherwise preserves the integrity of the reading frame. This variant is present in population databases (rs746597831, gnomAD 0.04%). This variant has not been reported in the literature in individuals affected with COL4A3-related conditions. ClinVar contains an entry for this variant (Variation ID: 2066928). Experimental studies and prediction algorithms are not available or were not evaluated, and the functional significance of this variant is currently unknown. In summary, the available evidence is currently insufficient to determine the role of this variant in disease. Therefore, it has been classified as a Variant of Uncertain Significance.

Natera, Inc.
Classification: Likely pathogenic for Alport syndrome. Last evaluated: 2025-12-30. Review status: criteria provided, single submitter. Criteria: Natera Variant Classification Schema (03/2026). Collection method: clinical testing. Allele origin: germline.
Comment: The c.4265_4273delCAGATGGAT variant in COL4A3 is an in-frame deletion. This variant is rare in the general population with a frequency below the threshold expected for the associated phenotype(s). This variant is located in a functionally critical region of the protein. This variant results in a change to the protein length while preserving reading frame, which may disrupt normal protein structure or function. Computational prediction algorithms indicate this variant is likely to affect gene or protein function. Given the available evidence, this variant is classified as Likely Pathogenic.

PreventionGenetics, part of Exact Sciences
Classification: Uncertain significance for COL4A3-related condition. Last evaluated: 2025-10-17. Review status: criteria provided, single submitter. Criteria: ACMG Guidelines, 2015. Collection method: clinical testing. Allele origin: germline.
Comment: The COL4A3 c.4265_4273del9 variant is predicted to result in an in-frame deletion (p.Ser1422_Gly1424del). This in-frame deletion would delete a glycine residue within the conserved triple helical domain (UniProt residues 43-1438, Hudson et al. 1993. PubMed ID: 8253711; Nozu et al. 2001. [Update 2025]. PubMed ID: 20301386). This variant has been reported in an individual with Alport syndrome who also had autosomal dominant polycystic kidney disease (ADPKD) presumably caused by a pathogenic variant PKD1 (Ibrahim et al. 2024. doi: 10.1681/ASN.2024yk1ccwsf). This variant is reported in 0.041% of alleles in individuals of Latino descent in gnomAD. At this time, the clinical significance of this variant is uncertain due to the absence of conclusive functional and genetic evidence.

GeneDx
Classification: Uncertain significance. Last evaluated: 2025-10-16. Review status: criteria provided, single submitter. Criteria: GeneDx Variant Classification Process June 2021. Collection method: clinical testing. Allele origin: germline. Affected: yes.
Comment: Reported in an individual with proteinuria and hearing loss (Ibrahim A et al. (2024) JASN. 35 (19S)); In-frame deletion of 3 amino acids within the triple helical domain expected to disrupt normal protein folding and function; This variant is associated with the following publications: (PMID: Ibrahim2024[paper])

3billion
Classification: Uncertain significance for Alport syndrome 3b, autosomal recessive. Last evaluated: 2024-06-18. Review status: criteria provided, single submitter. Criteria: ACMG Guidelines, 2015. Collection method: clinical testing. Allele origin: germline. Affected: yes.
Comment: The variant is observed at an extremely low frequency in the gnomAD v4.0.0 dataset (total allele frequency: 0.001%). Predicted Consequence/Location: Inframe deletion located in a nonrepeat region: predicted to change the length of the protein and disrupt normal protein function. Therefore, this variant is classified as VUS according to the recommendation of ACMG/AMP guideline.

Fulgent Genetics
Classification: Likely pathogenic for Autosomal dominant Alport syndrome; Hematuria, benign familial, 2; Alport syndrome 3b, autosomal recessive. Last evaluated: 2024-01-08. Review status: criteria provided, single submitter. Criteria: ACMG Guidelines, 2015. Collection method: clinical testing. Allele origin: germline.

Laboratory of Research in Genomics, Genetics and Bioinformatics, Hospital Infantil de Mexico Federico Gomez
Classification: Pathogenic for Autosomal recessive Alport syndrome. Last evaluated: 2025-04-08. Review status: no assertion criteria provided. Collection method: research. Allele origin: germline. Affected: yes. Not counted in ClinVar's aggregate classification.